The following is an entry in ClinVar:

NM_006059.4(LAMC3):c.2066C>T (p.Pro689Leu)

Gene: LAMC3 (laminin subunit gamma 3; plus strand). Cytogenetic location: 9q34.12.
Variant type: single nucleotide variant.
Coding change: c.2066C>T on transcript NM_006059.4 (MANE Select); coding-DNA position 2066, C replaced by T.
Protein change: p.Pro689Leu; replaces proline 689 with leucine.
Molecular consequence: missense variant.
Genome position (GRCh38, 1-based): chr9:131,057,055, C>T. VCF-style: chr9-131057055-C-T. GRCh37 (hg19) VCF-style: chr9-133932442-C-T.
Other names: short protein forms P689L.
Identifiers: ClinVar variation 194074 (VCV000194074.48), dbSNP rs113443891, ClinGen allele CA239875.

ClinVar aggregate classification (germline): Conflicting classifications of pathogenicity. Review status: criteria provided, conflicting classifications (1 of 4 stars). 9 submissions from 9 submitters: Uncertain significance (4); Likely benign (4). 1 of the submissions does not count toward it. Last evaluated 2026-01-26.

Conditions:
LAMC3-related disorder. Also called: LAMC3-related condition.
Inborn genetic diseases. Identifiers: MedGen C0950123, MeSH D030342.
Occipital pachygyria and polymicrogyria. Identifiers: Orphanet 280640, MedGen C3279875, MONDO:0013583, OMIM 614115.

Allele frequency attached by ClinVar (database versions not stated): gnomAD exomes 0.00028 and 0.00058; 1000 Genomes Project 30x 0.00031; 1000 Genomes Project 0.00040; ExAC 0.00058; gnomAD 0.00114 and 0.00123; TOPMed 0.00119; ESP Exome Variant Server 0.00146.
gnomAD v4.1: 606 of 1,614,132 alleles (0.038%); highest among the groups gnomAD compares: African/African-American, 0.36%; 2 homozygotes.

Submissions (9):

Labcorp Genetics (formerly Invitae), Labcorp
Classification: Likely benign. Last evaluated: 2026-01-26. Review status: criteria provided, single submitter. Criteria: Invitae Variant Classification Sherloc (09022015). Collection method: clinical testing. Allele origin: germline.

CeGaT Center for Human Genetics Tuebingen
Classification: Likely benign. Last evaluated: 2024-01-01. Review status: criteria provided, single submitter. Criteria: CeGaT Center For Human Genetics Tuebingen Variant Classification Criteria Version 2. Collection method: clinical testing. Allele origin: germline. Affected: yes. Observed: 1 variant allele.
Comment: LAMC3: BP4

Women's Health and Genetics/Laboratory Corporation of America, LabCorp
Classification: Uncertain significance. Last evaluated: 2022-10-13. Review status: criteria provided, single submitter. Criteria: LabCorp Variant Classification Summary - May 2015. Collection method: clinical testing. Allele origin: germline.
Comment: Variant summary: LAMC3 c.2066C>T (p.Pro689Leu) results in a non-conservative amino acid change located in the Laminin-type EGF domain (IPR002049) of the encoded protein sequence. Three of five in-silico tools predict a benign effect of the variant on protein function. The variant allele was found at a frequency of 0.00062 in 282742 control chromosomes, including 1 homozygote (gnomAD). To our knowledge, no occurrence of c.2066C>T in individuals affected with Occipital Pachygyria And Polymicrogyria and no experimental evidence demonstrating its impact on protein function have been reported. Five ClinVar submitters have assessed the variant since 2014: three classified the variant as uncertain significance and two as likely benign. Based on the evidence outlined above, the variant was classified as uncertain significance.

Ambry Genetics
Classification: Likely benign for Inborn genetic diseases. Last evaluated: 2021-09-01. Review status: criteria provided, single submitter. Criteria: Ambry Variant Classification Scheme 2023. Collection method: clinical testing. Allele origin: germline.

GeneDx
Classification: Likely benign. Last evaluated: 2018-12-13. Review status: criteria provided, single submitter. Criteria: GeneDx Variant Classification Process June 2021. Collection method: clinical testing. Allele origin: germline. Affected: yes.
Comment: This variant is associated with the following publications: (PMID: 30924900)

Fulgent Genetics
Classification: Uncertain significance for Occipital pachygyria and polymicrogyria. Last evaluated: 2018-10-31. Review status: criteria provided, single submitter. Criteria: ACMG Guidelines, 2015. Collection method: clinical testing. Allele origin: unknown.

Genetic Services Laboratory, University of Chicago
Classification: Uncertain significance. Last evaluated: 2017-02-13. Review status: criteria provided, single submitter. Criteria: ACMG Guidelines, 2015. Collection method: clinical testing. Allele origin: germline. Affected: no.

Eurofins Ntd Llc (ga)
Classification: Uncertain significance. Last evaluated: 2015-04-10. Review status: criteria provided, single submitter. Criteria: EGL Classification Definitions 2015. Collection method: clinical testing. Allele origin: germline. Observed: 1 variant allele, 1 heterozygote.

PreventionGenetics, part of Exact Sciences
Classification: Likely benign for LAMC3-related condition. Last evaluated: 2022-11-10. Review status: no assertion criteria provided. Collection method: clinical testing. Allele origin: germline. Not counted in ClinVar's aggregate classification.
Comment: This variant is classified as likely benign based on ACMG/AMP sequence variant interpretation guidelines (Richards et al. 2015 PMID: 25741868, with internal and published modifications).